The following is an entry in ClinVar:

ClinVar aggregate classification (germline): Uncertain significance (1 of 4 stars; one submission).

Conditions:
Early Myoclonic Encephalopathy. Identifiers: MedGen C0270855.

Submission:

Labcorp Genetics (formerly Invitae), Labcorp
Classification: Uncertain significance for Early Myoclonic Encephalopathy. Last evaluated: 2022-06-27. Review status: criteria provided, single submitter. Criteria: Invitae Variant Classification Sherloc (09022015). Collection method: clinical testing. Allele origin: germline.
Comment: Advanced modeling of protein sequence and biophysical properties (such as structural, functional, and spatial information, amino acid conservation, physicochemical variation, residue mobility, and thermodynamic stability) performed at Invitae indicates that this missense variant is not expected to disrupt KCND2 protein function. In summary, the available evidence is currently insufficient to determine the role of this variant in disease. Therefore, it has been classified as a Variant of Uncertain Significance. This variant has not been reported in the literature in individuals affected with KCND2-related conditions. This variant is not present in population databases (gnomAD no frequency). This sequence change replaces valine, which is neutral and non-polar, with phenylalanine, which is neutral and non-polar, at codon 506 of the KCND2 protein (p.Val506Phe).

NM_012281.3(KCND2):c.1516G>T (p.Val506Phe)

Gene: KCND2 (potassium voltage-gated channel subfamily D member 2; plus strand). Cytogenetic location: 7q31.31.
Variant type: single nucleotide variant.
Coding change: c.1516G>T on transcript NM_012281.3 (MANE Select); coding-DNA position 1516, G replaced by T.
Protein change: p.Val506Phe; replaces valine 506 with phenylalanine.
Molecular consequence: missense variant.
Genome position (GRCh38, 1-based): chr7:120,745,828, G>T. VCF-style: chr7-120745828-G-T. GRCh37 (hg19) VCF-style: chr7-120385882-G-T.
Other names: short protein forms V506F.
Identifiers: ClinVar variation 2011504 (VCV002011504.4), dbSNP rs2485216445, ClinGen allele CA369135414.